The following is an entry in ClinVar:

NM_001174147.2(LMX1B):c.886+38G>A

Gene: LMX1B (LIM homeobox transcription factor 1 beta; plus strand). Cytogenetic location: 9q33.3.
Variant type: single nucleotide variant.
Coding change: c.886+38G>A on transcript NM_001174147.2 (MANE Select); 38 bases into the intron after coding-DNA position 886, G replaced by A.
Molecular consequence: intron variant.
Genome position (GRCh38, 1-based): chr9:126,693,850, G>A. VCF-style: chr9-126693850-G-A. GRCh37 (hg19) VCF-style: chr9-129456129-G-A.
Other names: c.919+5G>A (NM_001174146.2); c.886+38G>A (NM_002316.4).
Identifiers: ClinVar variation 3044866 (VCV003044866.3), dbSNP rs183162859, ClinGen allele CA5242466.

ClinVar aggregate classification (germline): Likely benign. Review status: criteria provided, single submitter (1 of 4 stars). 2 submissions from 2 submitters: Likely benign (1). 1 of the submissions does not count toward it. Last evaluated 2024-09-11.

Conditions:
LMX1B-related disorder. Also called: LMX1B-related condition.

Allele frequency attached by ClinVar (database versions not stated): gnomAD exomes 0.00021; ExAC 0.00037; gnomAD 0.00189; TOPMed 0.00203; 1000 Genomes Project 0.00300; 1000 Genomes Project 30x 0.00312.

Submissions (2):

Blueprint Genetics
Classification: Likely benign. Last evaluated: 2024-09-11. Review status: criteria provided, single submitter. Criteria: ACMG Guidelines, 2015. Collection method: clinical testing. Allele origin: germline.

PreventionGenetics, part of Exact Sciences
Classification: Benign for LMX1B-related condition. Last evaluated: 2020-06-19. Review status: no assertion criteria provided. Collection method: clinical testing. Allele origin: germline. Not counted in ClinVar's aggregate classification.
Comment: This variant is classified as benign based on ACMG/AMP sequence variant interpretation guidelines (Richards et al. 2015 PMID: 25741868, with internal and published modifications).